The following is an entry in ClinVar:

ClinVar aggregate classification (germline): Uncertain significance (1 of 4 stars; one submission).

Submission:

Labcorp Genetics (formerly Invitae), Labcorp
Classification: Uncertain significance. Last evaluated: 2024-01-05. Review status: criteria provided, single submitter. Criteria: Invitae Variant Classification Sherloc (09022015). Collection method: clinical testing. Allele origin: germline.
Comment: This sequence change replaces leucine, which is neutral and non-polar, with isoleucine, which is neutral and non-polar, at codon 1056 of the MSH3 protein (p.Leu1056Ile). This variant is not present in population databases (gnomAD no frequency). This variant has not been reported in the literature in individuals affected with MSH3-related conditions. ClinVar contains an entry for this variant (Variation ID: 955788). An algorithm developed to predict the effect of missense changes on protein structure and function (PolyPhen-2) suggests that this variant is likely to be disruptive. In summary, the available evidence is currently insufficient to determine the role of this variant in disease. Therefore, it has been classified as a Variant of Uncertain Significance.

NM_002439.5(MSH3):c.3166C>A (p.Leu1056Ile)

Gene: MSH3 (mutS homolog 3; plus strand). Cytogenetic location: 5q14.1.
Variant type: single nucleotide variant.
Coding change: c.3166C>A on transcript NM_002439.5 (MANE Select); coding-DNA position 3166, C replaced by A.
Protein change: p.Leu1056Ile; replaces leucine 1056 with isoleucine.
Molecular consequence: missense variant.
Genome position (GRCh38, 1-based): chr5:80,873,151, C>A. VCF-style: chr5-80873151-C-A. GRCh37 (hg19) VCF-style: chr5-80168970-C-A.
Other names: short protein forms L1056I.
Identifiers: ClinVar variation 955788 (VCV000955788.9), dbSNP rs188074706, ClinGen allele CA360346857.